The following is an entry in ClinVar:

ClinVar aggregate classification (germline): Uncertain significance (1 of 4 stars; one submission).

Submission:

Labcorp Genetics (formerly Invitae), Labcorp
Classification: Uncertain significance. Last evaluated: 2022-10-13. Review status: criteria provided, single submitter. Criteria: Invitae Variant Classification Sherloc (09022015). Collection method: clinical testing. Allele origin: germline.
Comment: Variants that disrupt the consensus splice site are a relatively common cause of aberrant splicing (PMID: 17576681, 9536098). ClinVar contains an entry for this variant (Variation ID: 1026098). This variant has not been reported in the literature in individuals affected with ARHGEF18-related conditions. Information on the frequency of this variant in the gnomAD database is not available, as this variant may be reported differently in the database. This sequence change falls in intron 16 of the ARHGEF18 gene. It does not directly change the encoded amino acid sequence of the ARHGEF18 protein. It affects a nucleotide within the consensus splice site. In summary, the available evidence is currently insufficient to determine the role of this variant in disease. Therefore, it has been classified as a Variant of Uncertain Significance.

Literature cited by the submitters: PubMed 17576681; PubMed 9536098.

NM_001367823.1(ARHGEF18):c.3480+6_3480+8delinsTAT

Gene: ARHGEF18 (Rho/Rac guanine nucleotide exchange factor 18; plus strand). Cytogenetic location: 19p13.2.
Variant type: Indel.
Coding change: c.3480+6_3480+8delinsTAT on transcript NM_001367823.1 (MANE Select); bases 6 to 8 of the intron after coding-DNA position 3480, CGC replaced by TAT.
Molecular consequence: intron variant.
Genome position (GRCh38, 1-based): chr19:7,467,690-7,467,692, CGC replaced by TAT. VCF-style: chr19-7467690-CGC-TAT. GRCh37 (hg19) VCF-style: chr19-7532576-CGC-TAT.
Other names: c.2442+6_2442+8delinsTAT (NM_001367824.1, NM_015318.4); c.2754+6_2754+8delinsTAT (NM_001130955.2).
Identifiers: ClinVar variation 1026098 (VCV001026098.6), dbSNP rs1976743067, ClinGen allele CA2320932476.
Genomic context (GRCh38, chr19:7,467,690, plus strand): 5'-CCTCAAGAAGCAGAACACCGCGCCAGGCGCGCTGCCGCCCGACACACTGGCCGAGGTGAG[CGC>TAT]GCAGCAGCCAGTGTGCGCAGGTTGGGGGTGACCGGTTTGCACGTGCATTTGCACGAGTGC-3'